The following is an entry in ClinVar:

NM_000071.3(CBS):c.262C>T (p.Pro88Ser)

Gene: CBS (cystathionine beta-synthase; minus strand). Cytogenetic location: 21q22.3.
Variant type: single nucleotide variant.
Coding change: c.262C>T on transcript NM_000071.3 (MANE Select); coding-DNA position 262, C replaced by T.
Protein change: p.Pro88Ser; replaces proline 88 with serine.
Molecular consequence: missense variant.
Genome position (GRCh38, 1-based): chr21:43,068,563, G>A on the plus strand (C>T on the coding strand, the complement: CBS is on the minus strand). VCF-style: chr21-43068563-G-A. GRCh37 (hg19) VCF-style: chr21-44488673-G-A.
Other names: c.262C>T, p.Pro88Ser (NM_001178008.3, NM_001178009.3, NM_001320298.2); short protein forms P88S.
Identifiers: ClinVar variation 1070052 (VCV001070052.11), dbSNP rs2146413970, ClinGen allele CA410602097.
Genomic context (GRCh38, chr21:43,068,563, plus strand): 5'-ACTCACAGAGCTCACACTTCAGGCCGAACTTCTTCCCAATCTTGTTGATTCTGACCATAG[G>A]GGTGTCCCCGATTTTCTTCAGAATATCTGGCAAGATTTTTGGAGATTTTGCCCTGAAACA-3'
Protein context (NP_000062.1, residues 78-98): PDILKKIGDT[Pro88Ser]MVRINKIGKK

ClinVar aggregate classification (germline): Pathogenic/Likely pathogenic. Review status: criteria provided, multiple submitters, no conflicts (2 of 4 stars). 2 submissions from 2 submitters: Pathogenic (1); Likely pathogenic (1). Last evaluated 2025-10-17.

Conditions:
HYPERHOMOCYSTEINEMIA, THROMBOTIC, CBS-RELATED. Identifiers: MedGen C3150344, OMIM 236200.
Classic homocystinuria. Also called: Homocystinuria due to Cystathionine Beta-Synthase Deficiency; Homocystinuria due to CBS deficiency; Cystathionine beta-synthase deficiency; CBS deficiency; HOMOCYSTINURIA WITH OR WITHOUT RESPONSE TO PYRIDOXINE. Identifiers: Orphanet 394, MedGen C0751202, MONDO:0009352, OMIM 236200.

Submissions (2):

Labcorp Genetics (formerly Invitae), Labcorp
Classification: Pathogenic for HYPERHOMOCYSTEINEMIA, THROMBOTIC, CBS-RELATED. Last evaluated: 2025-10-17. Review status: criteria provided, single submitter. Criteria: Invitae Variant Classification Sherloc (09022015). Collection method: clinical testing. Allele origin: germline.
Comment: This sequence change replaces proline, which is neutral and non-polar, with serine, which is neutral and polar, at codon 88 of the CBS protein (p.Pro88Ser). This variant is not present in population databases (gnomAD no frequency). This missense change has been observed in individual(s) with homocystinuria due to CBS deficiency (PMID: 7762555). In at least one individual the data is consistent with being in trans (on the opposite chromosome) from a pathogenic variant. It has also been observed to segregate with disease in related individuals. ClinVar contains an entry for this variant (Variation ID: 1070052). Invitae Evidence Modeling of protein sequence and biophysical properties (such as structural, functional, and spatial information, amino acid conservation, physicochemical variation, residue mobility, and thermodynamic stability) indicates that this missense variant is expected to disrupt CBS protein function with a positive predictive value of 95%. Experimental studies have shown that this missense change affects CBS function (PMID: 22267502). For these reasons, this variant has been classified as Pathogenic.

Baylor Genetics
Classification: Likely pathogenic for Classic homocystinuria. Last evaluated: 2023-03-16. Review status: criteria provided, single submitter. Criteria: ACMG Guidelines, 2015. Collection method: clinical testing. Allele origin: unknown.

Literature cited by the submitters: PubMed 7762555 (cited by Labcorp Genetics (formerly Invitae), Labcorp); PubMed 22267502 (cited by Labcorp Genetics (formerly Invitae), Labcorp).